The following is an entry in ClinVar:

NM_001130009.3(GEN1):c.850G>A (p.Asp284Asn)

Gene: GEN1 (GEN1 Holliday junction 5' flap endonuclease; plus strand). Cytogenetic location: 2p24.2.
Variant type: single nucleotide variant.
Coding change: c.850G>A on transcript NM_001130009.3 (MANE Select); coding-DNA position 850, G replaced by A.
Protein change: p.Asp284Asn; replaces aspartic acid 284 with asparagine.
Molecular consequence: missense variant.
Genome position (GRCh38, 1-based): chr2:17,772,681, G>A. VCF-style: chr2-17772681-G-A. GRCh37 (hg19) VCF-style: chr2-17953948-G-A.
Other names: c.850G>A, p.Asp284Asn (NM_182625.5); short protein forms D284N.
Identifiers: ClinVar variation 4263066 (VCV004263066.1).

ClinVar aggregate classification (germline): Uncertain significance (1 of 4 stars; one submission).

Submission:

Ambry Genetics
Classification: Uncertain significance. Last evaluated: 2025-08-08. Review status: criteria provided, single submitter. Criteria: Ambry Variant Classification Scheme 2023. Collection method: clinical testing. Allele origin: germline.
Comment: The p.D284N variant (also known as c.850G>A), located in coding exon 7 of the GEN1 gene, results from a G to A substitution at nucleotide position 850. The aspartic acid at codon 284 is replaced by asparagine, an amino acid with highly similar properties. This amino acid position is conserved. In addition, this alteration is predicted to be tolerated by in silico analysis. Based on the available evidence, the clinical significance of this variant remains unclear.